The following is an entry in ClinVar:

ClinVar aggregate classification (germline): Likely benign. Review status: criteria provided, single submitter (1 of 4 stars). 2 submissions from 2 submitters: Likely benign (1). 1 of the submissions does not count toward it. Last evaluated 2024-01-02.

Conditions:
P3H2-related disorder. Also called: P3H2-related condition.

Allele frequency attached by ClinVar (database versions not stated): gnomAD 0.00001; gnomAD exomes 0.00001; TOPMed 0.00002; ExAC 0.00003; 1000 Genomes Project 0.00020; 1000 Genomes Project 30x 0.00031.
gnomAD v4.1: 21 of 1,613,776 alleles (0.0013%); highest among the groups gnomAD compares: South Asian, 0.0088%; no homozygotes.

Submissions (2):

Labcorp Genetics (formerly Invitae), Labcorp
Classification: Likely benign. Last evaluated: 2024-01-02. Review status: criteria provided, single submitter. Criteria: Invitae Variant Classification Sherloc (09022015). Collection method: clinical testing. Allele origin: germline.

PreventionGenetics, part of Exact Sciences
Classification: Likely benign for P3H2-related condition. Last evaluated: 2019-04-30. Review status: no assertion criteria provided. Collection method: clinical testing. Allele origin: germline. Not counted in ClinVar's aggregate classification.
Comment: This variant is classified as likely benign based on ACMG/AMP sequence variant interpretation guidelines (Richards et al. 2015 PMID: 25741868, with internal and published modifications).

NM_018192.4(P3H2):c.525C>T (p.Phe175=)

Gene: P3H2 (prolyl 3-hydroxylase 2; minus strand). Cytogenetic location: 3q28.
Variant type: single nucleotide variant.
Coding change: c.525C>T on transcript NM_018192.4 (MANE Select); coding-DNA position 525, C replaced by T.
Protein change: p.Phe175=; no amino-acid change (phenylalanine 175 retained).
Molecular consequence: synonymous variant. On other transcripts: 5 prime UTR variant (1).
Genome position (GRCh38, 1-based): chr3:189,995,398, G>A on the plus strand (C>T on the coding strand, the complement: P3H2 is on the minus strand). VCF-style: chr3-189995398-G-A. GRCh37 (hg19) VCF-style: chr3-189713187-G-A.
Other names: c.-19C>T (NM_001134418.2); c.525C>T (NM_018192.3).
Identifiers: ClinVar variation 2721082 (VCV002721082.5), dbSNP rs567532723, ClinGen allele CA2753317.